The following is an entry in ClinVar:

ClinVar aggregate classification (germline): Pathogenic (1 of 4 stars; one submission).

Conditions:
Cone-rod dystrophy 2 (CORD2). Also called: CONE-ROD RETINAL DYSTROPHY; Cone-rod retinal dystrophy 2. Identifiers: Orphanet 1872, MedGen C3489532, MONDO:0007362, OMIM 120970.
Leber congenital amaurosis 7 (LCA7). Identifiers: Orphanet 65, MedGen C3151192, MONDO:0013449, OMIM 613829.

Submission:

Labcorp Genetics (formerly Invitae), Labcorp
Classification: Pathogenic for Cone-rod dystrophy 2; Leber congenital amaurosis 7. Last evaluated: 2024-04-17. Review status: criteria provided, single submitter. Criteria: Invitae Variant Classification Sherloc (09022015). Collection method: clinical testing. Allele origin: germline.
Comment: This sequence change creates a premature translational stop signal (p.Pro244Thrfs*23) in the CRX gene. While this is not anticipated to result in nonsense mediated decay, it is expected to disrupt the last 56 amino acid(s) of the CRX protein. This variant is not present in population databases (gnomAD no frequency). This variant has not been reported in the literature in individuals affected with CRX-related conditions. ClinVar contains an entry for this variant (Variation ID: 1004054). This variant disrupts a region of the CRX protein in which other variant(s) (p.Tyr258*) have been determined to be pathogenic (PMID: 22968130, 25270190). This suggests that this is a clinically significant region of the protein, and that variants that disrupt it are likely to be disease-causing. For these reasons, this variant has been classified as Pathogenic.

Literature cited by the submitters: PubMed 22968130; PubMed 25270190.

NM_000554.6(CRX):c.728dup (p.Pro244fs)

Gene: CRX (cone-rod homeobox; plus strand). Cytogenetic location: 19q13.33.
Variant type: Duplication.
Coding change: c.728dup on transcript NM_000554.6 (MANE Select); coding-DNA position 728, one base duplicated (G; older notation c.728dupG).
Protein change: p.Pro244fs; shifts the reading frame from proline 244.
Molecular consequence: frameshift variant.
Genome position (GRCh38, 1-based): chr19:47,839,795, G duplicated; the last of 3 consecutive G bases (chr19:47,839,793-47,839,795); duplicating any one gives the same sequence. VCF-style (leftmost placement, unchanged base first): chr19-47839792-T-TG. GRCh37 (hg19) VCF-style: chr19-48343049-T-TG.
Other names: short protein forms P244fs.
Identifiers: ClinVar variation 1004054 (VCV001004054.6), dbSNP rs1968172289, ClinGen allele CA2339609300.